The following is an entry in ClinVar:

ClinVar aggregate classification (germline): Benign (1 of 4 stars; one submission).

Allele frequency attached by ClinVar (database versions not stated): gnomAD exomes 0.00037; gnomAD 0.00232; TOPMed 0.00260; 1000 Genomes Project 0.00319; 1000 Genomes Project 30x 0.00328.

Submission:

CeGaT Center for Human Genetics Tuebingen
Classification: Benign. Last evaluated: 2022-05-01. Review status: criteria provided, single submitter. Criteria: CeGaT Center For Human Genetics Tuebingen Variant Classification Criteria Version 2. Collection method: clinical testing. Allele origin: germline. Affected: yes. Observed: 1 variant allele.
Comment: MAP2K1: BS1, BS2

NC_000015.10:g.66386730G>A

Gene: MAP2K1 (mitogen-activated protein kinase kinase 1; plus strand). Cytogenetic location: 15q22.31.
Variant type: single nucleotide variant.
Genome position: GRCh38 VCF-style: chr15-66386730-G-A. GRCh37 (hg19) VCF-style: chr15-66679068-G-A.
Identifiers: ClinVar variation 2645466 (VCV002645466.24), dbSNP rs548685462, ClinGen allele CA271645485.